The following is an entry in ClinVar:

ClinVar aggregate classification (germline): Uncertain significance (1 of 4 stars; one submission).

Submission:

GeneDx
Classification: Uncertain significance. Last evaluated: 2025-02-06. Review status: criteria provided, single submitter. Criteria: GeneDx Variant Classification Process June 2021. Collection method: clinical testing. Allele origin: germline. Affected: yes.
Comment: Not observed at significant frequency in large population cohorts (gnomAD); In silico analysis supports that this missense variant has a deleterious effect on protein structure/function; Has not been previously published as pathogenic or benign to our knowledge

NM_002860.4(ALDH18A1):c.1472C>A (p.Ala491Glu)

Gene: ALDH18A1 (aldehyde dehydrogenase 18 family member A1; minus strand). Cytogenetic location: 10q24.1.
Variant type: single nucleotide variant.
Coding change: c.1472C>A on transcript NM_002860.4 (MANE Select); coding-DNA position 1472, C replaced by A.
Protein change: p.Ala491Glu; replaces alanine 491 with glutamic acid.
Molecular consequence: missense variant.
Genome position (GRCh38, 1-based): chr10:95,616,610, G>T on the plus strand (C>A on the coding strand, the complement: ALDH18A1 is on the minus strand). VCF-style: chr10-95616610-G-T. GRCh37 (hg19) VCF-style: chr10-97376367-G-T.
Other names: c.1466C>A, p.Ala489Glu (NM_001017423.2, NM_001323415.2); c.1139C>A, p.Ala380Glu (NM_001323412.2, NM_001323416.2); c.1472C>A, p.Ala491Glu (NM_001323413.2, NM_001323414.2); c.1367C>A, p.Ala456Glu (NM_001323417.2); c.1133C>A, p.Ala378Glu (NM_001323418.2); c.836C>A, p.Ala279Glu (NM_001323419.2); short protein forms A279E, A378E, A380E, A456E, A489E, A491E.
Identifiers: ClinVar variation 4074663 (VCV004074663.1).